The following is an entry in ClinVar:

NM_007294.4(BRCA1):c.5085T>A (p.Phe1695Leu)

Gene: BRCA1 (BRCA1 DNA repair associated; minus strand). Cytogenetic location: 17q21.31.
Variant type: single nucleotide variant.
Coding change: c.5085T>A on transcript NM_007294.4 (MANE Select); coding-DNA position 5085, T replaced by A.
Protein change: p.Phe1695Leu; replaces phenylalanine 1695 with leucine.
Molecular consequence: missense variant. On other transcripts: non-coding transcript variant (1).
Genome position (GRCh38, 1-based): chr17:43,063,941, A>T on the plus strand (T>A on the coding strand, the complement: BRCA1 is on the minus strand). VCF-style: chr17-43063941-A-T. GRCh37 (hg19) VCF-style: chr17-41215958-A-T.
Other names: c.5085T>A, p.Phe1695Leu (NM_001407602.1, NM_001407603.1, NM_001407605.1 and 7 more transcripts); c.5082T>A, p.Phe1694Leu (NM_001407610.1, NM_001407611.1, NM_001407612.1 and 17 more transcripts); c.5079T>A, p.Phe1693Leu (NM_001407627.1, NM_001407628.1, NM_001407629.1 and 14 more transcripts); c.5073T>A, p.Phe1691Leu (NM_001407646.1); c.5070T>A, p.Phe1690Leu (NM_001407647.1); c.5028T>A, p.Phe1676Leu (NM_001407648.1); c.5025T>A, p.Phe1675Leu (NM_001407649.1); c.5007T>A, p.Phe1669Leu (NM_001407653.1, NM_001407654.1, NM_001407655.1); and 71 more; short protein forms F1695L, F591L, F1648L, F1716L, F1398L, F1583L, F1584L, F1605L.
Identifiers: ClinVar variation 55389 (VCV000055389.17), dbSNP rs80357387, ClinGen allele CA003223.

ClinVar aggregate classification (germline): Conflicting classifications of pathogenicity. Review status: criteria provided, conflicting classifications (1 of 4 stars). 3 submissions from 3 submitters: Uncertain significance (1); Likely benign (1). 1 of the submissions does not count toward it. Last evaluated 2023-04-26.

Conditions:
Hereditary cancer-predisposing syndrome. Also called: Hereditary Cancer Syndrome; Hereditary neoplastic syndrome; Neoplastic Syndromes, Hereditary; Tumor predisposition. Identifiers: Orphanet 140162, MedGen C0027672, MeSH D009386, MONDO:0015356.
Hereditary breast ovarian cancer syndrome. Also called: BRCA1- and BRCA2-Associated Hereditary Breast and Ovarian Cancer; Hereditary breast and ovarian cancer syndrome; Hereditary breast and ovarian cancer syndrome (HBOC); Breast and ovarian cancer; Hereditary breast and/or ovarian cancer syndrome; Hereditary breast and ovarian cancer. Identifiers: Orphanet 145, MedGen C0677776, MeSH D061325, MONDO:0003582. Disease mechanism: loss of function.
Breast-ovarian cancer, familial, susceptibility to, 1 (BROVCA1). Also called: BRCA1 Hereditary Breast and Ovarian Cancer; OVARIAN CANCER, SUSCEPTIBILITY TO. Identifiers: Orphanet 145, MedGen C2676676, MONDO:0011450, OMIM 604370. Disease mechanism: loss of function.

Allele frequency attached by ClinVar (database versions not stated): gnomAD exomes below 0.00001.

Submissions (4):

Labcorp Genetics (formerly Invitae), Labcorp
Classification: Uncertain significance for Hereditary breast ovarian cancer syndrome. Last evaluated: 2023-04-26. Review status: criteria provided, single submitter. Criteria: Invitae Variant Classification Sherloc (09022015). Collection method: clinical testing. Allele origin: germline.
Comment: In summary, the available evidence is currently insufficient to determine the role of this variant in disease. Therefore, it has been classified as a Variant of Uncertain Significance. Experimental studies have shown that this missense change does not substantially affect BRCA1 function (PMID: 16528612, 20516115, 30209399, 30257991). Advanced modeling performed at Invitae incorporating data from internal and/or published experimental studies (PMID: 30209399) indicates that this missense variant is not expected to disrupt BRCA1 function. ClinVar contains an entry for this variant (Variation ID: 55389). This missense change has been observed in individual(s) with breast cancer (PMID: 12827452). This variant is present in population databases (rs80357387, gnomAD 0.0009%). This sequence change replaces phenylalanine, which is neutral and non-polar, with leucine, which is neutral and non-polar, at codon 1695 of the BRCA1 protein (p.Phe1695Leu).

Ambry Genetics
Classification: Likely benign for Hereditary cancer-predisposing syndrome. Last evaluated: 2020-02-10. Review status: criteria provided, single submitter. Criteria: Ambry Variant Classification Scheme 2023. Collection method: clinical testing. Allele origin: germline.

Breast Cancer Information Core (BIC) (BRCA1)
Classification: Uncertain significance for Breast-ovarian cancer, familial 1. Last evaluated: 1999-06-22. Review status: no assertion criteria provided. Collection method: clinical testing. Allele origin: germline. Affected: yes. Observed: 1 variant allele. Not counted in ClinVar's aggregate classification.

Brotman Baty Institute, University of Washington
No classification provided (evidence only). Condition: Breast-ovarian cancer, familial 1. Review status: no classification provided. Collection method: in vitro. Allele origin: not applicable. Functional consequence: functionally_normal. Not counted in ClinVar's aggregate classification.
ClinVar note: "not provided" was previously submitted as the classification for the variant. However, the classification appeared to be based only on an observation of functional data so it was converted to no classification on 2025-07-30.

Literature cited by the submitters: PubMed 16528612 (cited by Labcorp Genetics (formerly Invitae), Labcorp and Ambry Genetics); PubMed 20516115 (cited by Labcorp Genetics (formerly Invitae), Labcorp and Ambry Genetics); PubMed 30209399 (cited by Labcorp Genetics (formerly Invitae), Labcorp and Ambry Genetics); PubMed 30257991 (cited by Labcorp Genetics (formerly Invitae), Labcorp); PubMed 12827452 (cited by Labcorp Genetics (formerly Invitae), Labcorp and Ambry Genetics); PubMed 11877378 (cited by Ambry Genetics); PubMed 14534301 (cited by Ambry Genetics); PubMed 15133503 (cited by Ambry Genetics); PubMed 15172985 (cited by Ambry Genetics); PubMed 15235020 (cited by Ambry Genetics); PubMed 17161371 (cited by Ambry Genetics); PubMed 17305420 (cited by Ambry Genetics); PubMed 21447777 (cited by Ambry Genetics); PubMed 22737296 (cited by Ambry Genetics); PubMed 23704879 (cited by Ambry Genetics); PubMed 28781887 (cited by Ambry Genetics); PubMed 30702160 (cited by Ambry Genetics); PubMed 30765603 (cited by Ambry Genetics).